The following is an entry in ClinVar:

ClinVar aggregate classification (germline): Uncertain significance. Review status: criteria provided, multiple submitters, no conflicts (2 of 4 stars). 2 submissions from 2 submitters: Uncertain significance (2). Last evaluated 2025-08-27.

Conditions:
Inborn genetic diseases. Identifiers: MedGen C0950123, MeSH D030342.

Allele frequency attached by ClinVar (database versions not stated): ExAC 0.00001; gnomAD 0.00001; gnomAD exomes 0.00002 and 0.00003; TOPMed 0.00002.
gnomAD v4.1: 45 of 1,614,026 alleles (0.0028%); highest among the groups gnomAD compares: Non-Finnish European, 0.0034%; no homozygotes.

Submissions (2):

Ambry Genetics
Classification: Uncertain significance for Inborn genetic diseases. Last evaluated: 2025-08-27. Review status: criteria provided, single submitter. Criteria: Ambry Variant Classification Scheme 2023. Collection method: clinical testing. Allele origin: germline.

Labcorp Genetics (formerly Invitae), Labcorp
Classification: Uncertain significance. Last evaluated: 2023-12-11. Review status: criteria provided, single submitter. Criteria: Invitae Variant Classification Sherloc (09022015). Collection method: clinical testing. Allele origin: germline.
Comment: This sequence change replaces threonine, which is neutral and polar, with methionine, which is neutral and non-polar, at codon 35 of the EXTL3 protein (p.Thr35Met). This variant is present in population databases (rs748989305, gnomAD 0.007%). This variant has not been reported in the literature in individuals affected with EXTL3-related conditions. ClinVar contains an entry for this variant (Variation ID: 1431676). Advanced modeling of protein sequence and biophysical properties (such as structural, functional, and spatial information, amino acid conservation, physicochemical variation, residue mobility, and thermodynamic stability) performed at Invitae indicates that this missense variant is not expected to disrupt EXTL3 protein function with a negative predictive value of 80%. In summary, the available evidence is currently insufficient to determine the role of this variant in disease. Therefore, it has been classified as a Variant of Uncertain Significance.

NM_001440.4(EXTL3):c.104C>T (p.Thr35Met)

Gene: EXTL3 (exostosin like glycosyltransferase 3; plus strand). Cytogenetic location: 8p21.1.
Variant type: single nucleotide variant.
Coding change: c.104C>T on transcript NM_001440.4 (MANE Select); coding-DNA position 104, C replaced by T.
Protein change: p.Thr35Met; replaces threonine 35 with methionine.
Molecular consequence: missense variant.
Genome position (GRCh38, 1-based): chr8:28,716,163, C>T. VCF-style: chr8-28716163-C-T. GRCh37 (hg19) VCF-style: chr8-28573680-C-T.
Other names: c.104C>T (NM_001440.2); short protein forms T35M.
Identifiers: ClinVar variation 1431676 (VCV001431676.6), dbSNP rs748989305, ClinGen allele CA4695931.
Genomic context (GRCh38, chr8:28,716,163, plus strand): 5'-GAGGTCAGACCTGCATGCTGCGCTGGTCCAACCGCATCCGCCTCACGTGGCTCAGCTTCA[C>T]GCTCTTTGTCATCCTGGTCTTCTTCCCGCTCATCGCCCACTATTACCTCACCACTCTGGA-3'
Protein context (NP_001431.1, residues 25-45): NRIRLTWLSF[Thr35Met]LFVILVFFPL